The following is an entry in ClinVar:

NM_024422.6(DSC2):c.682C>G (p.Pro228Ala)

Gene: DSC2 (desmocollin 2; minus strand). Cytogenetic location: 18q12.1.
Variant type: single nucleotide variant.
Coding change: c.682C>G on transcript NM_024422.6 (MANE Select); coding-DNA position 682, C replaced by G.
Protein change: p.Pro228Ala; replaces proline 228 with alanine.
Molecular consequence: missense variant.
Genome position (GRCh38, 1-based): chr18:31,087,762, G>C on the plus strand (C>G on the coding strand, the complement: DSC2 is on the minus strand). VCF-style: chr18-31087762-G-C. GRCh37 (hg19) VCF-style: chr18-28667725-G-C.
Other names: c.253C>G, p.Pro85Ala (NM_001406506.1, NM_001406507.1); c.682C>G, p.Pro228Ala (NM_004949.5); short protein forms P228A, P85A.
Identifiers: ClinVar variation 3072813 (VCV003072813.1), dbSNP rs765161525, ClinGen allele CA039373.

ClinVar aggregate classification (germline): Uncertain significance (1 of 4 stars; one submission).

Conditions:
Familial isolated arrhythmogenic right ventricular dysplasia. Identifiers: Orphanet 217656, MedGen C4274968, MONDO:0016342.

Allele frequency attached by ClinVar (database versions not stated): ExAC 0.00002; gnomAD 0.00002.
gnomAD v4.1: 12 of 1,613,726 alleles (0.00074%); highest among the groups gnomAD compares: South Asian, 0.013%; no homozygotes.

Submission:

All of Us Research Program, National Institutes of Health
Classification: Uncertain significance for Familial isolated arrhythmogenic right ventricular dysplasia. Last evaluated: 2023-08-15. Review status: criteria provided, single submitter. Criteria: ACMG Guidelines, 2015. Collection method: clinical testing. Allele origin: germline. Inheritance: Autosomal dominant inheritance. Observed: 1 variant allele, 1 heterozygote.
Comment: This missense variant replaces proline with alanine at codon 228 of the DSC2 protein. Computational prediction suggests that this variant may not impact protein structure and function (internally defined REVEL score threshold <= 0.5, PMID: 27666373). To our knowledge, functional studies have not been reported for this variant. This variant has not been reported in individuals affected with DSC2-related disorders in the literature. This variant has been identified in 4/251200 chromosomes in the general population by the Genome Aggregation Database (gnomAD). The available evidence is insufficient to determine the role of this variant in disease conclusively. Therefore, this variant is classified as a Variant of Uncertain Significance.

This study involves interpretation of variants in research participants for the purpose of population health screening. Participant phenotype was not available at the time of variant classification. Additional details can be found in publication PMID: 35346344, PMCID: PMC8962531